The following is an entry in ClinVar:

ClinVar aggregate classification (germline): Uncertain significance (1 of 4 stars; one submission).

Conditions:
Long QT syndrome (LQTS). Identifiers: MedGen C0023976, MeSH D008133, MONDO:0002442. Disease mechanism: loss of function. Inheritance: Various modes of inheritance.

Submission:

Labcorp Genetics (formerly Invitae), Labcorp
Classification: Uncertain significance for Long QT syndrome. Last evaluated: 2025-10-13. Review status: criteria provided, single submitter. Criteria: Invitae Variant Classification Sherloc (09022015). Collection method: clinical testing. Allele origin: germline.
Comment: This sequence change replaces glycine, which is neutral and non-polar, with aspartic acid, which is acidic and polar, at codon 1025 of the ANK2 protein (p.Gly1025Asp). This variant is not present in population databases (gnomAD no frequency). This variant has not been reported in the literature in individuals affected with ANK2-related conditions. Invitae Evidence Modeling of protein sequence and biophysical properties (such as structural, functional, and spatial information, amino acid conservation, physicochemical variation, residue mobility, and thermodynamic stability) has been performed for this missense variant. However, the output from this modeling did not meet the statistical confidence thresholds required to predict the impact of this variant on ANK2 protein function. In summary, the available evidence is currently insufficient to determine the role of this variant in disease. Therefore, it has been classified as a Variant of Uncertain Significance.

NM_001148.6(ANK2):c.3074G>A (p.Gly1025Asp)

Gene: ANK2 (ankyrin 2; plus strand). Cytogenetic location: 4q26.
Variant type: single nucleotide variant.
Coding change: c.3074G>A on transcript NM_001148.6 (MANE Select); coding-DNA position 3074, G replaced by A.
Protein change: p.Gly1025Asp; replaces glycine 1025 with aspartic acid.
Molecular consequence: missense variant.
Genome position (GRCh38, 1-based): chr4:113,330,419, G>A. VCF-style: chr4-113330419-G-A. GRCh37 (hg19) VCF-style: chr4-114251575-G-A.
Other names: c.2789G>A, p.Gly930Asp (NM_001354277.2, NM_001386157.1); c.701G>A, p.Gly234Asp (NM_001354278.2, NM_001354280.2, NM_001354281.2); c.737G>A, p.Gly246Asp (NM_001354279.2, NM_001354282.2); c.2972G>A, p.Gly991Asp (NM_001386142.1, NM_001354274.2, NM_001386154.1); c.3011G>A, p.Gly1004Asp (NM_001386143.1, NM_001354243.2, NM_001354245.2 and 3 more transcripts); c.3119G>A, p.Gly1040Asp (NM_001386144.1, NM_001354240.2, NM_001354241.2); c.2987G>A, p.Gly996Asp (NM_001386146.1, NM_001354249.2, NM_001354264.2 and 7 more transcripts); c.3047G>A, p.Gly1016Asp (NM_001127493.3); and 23 more; short protein forms G1051D, G1072D, G897D, G954D, G1003D, G1011D, G1013D, G1040D.
Identifiers: ClinVar variation 4765067 (VCV004765067.1).